The following is an entry in ClinVar:

ClinVar aggregate classification (germline): Uncertain significance (1 of 4 stars; one submission).

Allele frequency attached by ClinVar (database versions not stated): gnomAD exomes 0.00005 and 0.00007; TOPMed 0.00005; ExAC 0.00008; ESP Exome Variant Server 0.00008; gnomAD 0.00009; 1000 Genomes Project 30x 0.00016; 1000 Genomes Project 0.00020.
gnomAD v4.1: 93 of 1,613,598 alleles (0.0058%); highest among the groups gnomAD compares: Middle Eastern, 0.083%; 1 homozygote.

Submission:

Labcorp Genetics (formerly Invitae), Labcorp
Classification: Uncertain significance. Last evaluated: 2023-04-25. Review status: criteria provided, single submitter. Criteria: Invitae Variant Classification Sherloc (09022015). Collection method: clinical testing. Allele origin: germline.
Comment: In summary, the available evidence is currently insufficient to determine the role of this variant in disease. Therefore, it has been classified as a Variant of Uncertain Significance. An algorithm developed to predict the effect of missense changes on protein structure and function (PolyPhen-2) suggests that this variant¬† is likely to be tolerated. ClinVar contains an entry for this variant (Variation ID: 1399154). This variant has not been reported in the literature in individuals affected with PDE10A-related conditions. This variant is present in population databases (rs201156192, gnomAD 0.03%). This sequence change replaces isoleucine, which is neutral and non-polar, with valine, which is neutral and non-polar, at codon 207 of the PDE10A protein (p.Ile207Val).

NM_001385079.1(PDE10A):c.1417A>G (p.Ile473Val)

Gene: PDE10A (phosphodiesterase 10A; minus strand). Cytogenetic location: 6q27.
Variant type: single nucleotide variant.
Coding change: c.1417A>G on transcript NM_001385079.1 (MANE Select); coding-DNA position 1417, A replaced by G.
Protein change: p.Ile473Val; replaces isoleucine 473 with valine.
Molecular consequence: missense variant.
Genome position (GRCh38, 1-based): chr6:165,433,048, T>C on the plus strand (A>G on the coding strand, the complement: PDE10A is on the minus strand). VCF-style: chr6-165433048-T-C. GRCh37 (hg19) VCF-style: chr6-165846536-T-C.
Other names: c.619A>G, p.Ile207Val (NM_001130690.3); c.589A>G, p.Ile197Val (NM_006661.4); short protein forms I207V, I197V, I473V.
Identifiers: ClinVar variation 1399154 (VCV001399154.6), dbSNP rs201156192, ClinGen allele CA4092421.